The following continues an entry in ClinVar:

NM_000053.4(ATP7B):c.2605G>A (p.Gly869Arg)

Gene: ATP7B. ClinVar aggregate classification (germline): Pathogenic/Likely pathogenic. Pathogenic (20); Likely pathogenic (8).

Submissions 9 to 19 of 31:

ARUP Laboratories, Molecular Genetics and Genomics, ARUP Laboratories
Classification: Likely pathogenic for Wilson disease. Last evaluated: 2025-05-26. Review status: criteria provided, single submitter. Criteria: ARUP Molecular Germline Variant Investigation Process 2024. Collection method: clinical testing. Allele origin: germline.
Comment: The ATP7B c.2605G>A; p.Gly869Arg variant (rs191312027) is reported in the medical literature in several individuals with a clinical diagnosis of Wilson disease, many of whom carried an additional pathogenic variant (Dong 2016, Gu 2013, Hua 2016, Huang2022, Li 2019, Loudianos 2013, Margarit 2005, Mukherjee 2014). This variant is found in the European population with an overall allele frequency of 0.13% (161/128724 alleles) in the Genome Aggregation Database. Computational analyses predict that this variant is deleterious (REVEL: 0.876). Considering available information, this variant is considered to be likely pathogenic. References: Dong Y et al. Spectrum and Classification of ATP7B Variants in a Large Cohort of Chinese Patients with Wilson's Disease Guides Genetic Diagnosis. Theranostics. 2016 Mar 3;6(5):638-49. PMID: 27022412. Gu S et al. Novel ATPase Cu(2+) transporting beta polypeptide mutations in Chinese families with Wilson's disease. PLoS One. 2013 Jul 2;8(7):e66526. PMID: 23843956. Hua R et al. Mutational analysis of ATP7B in Chinese Wilson disease patients. Am J Transl Res. 2016 Jun 15;8(6):2851-61. PMID: 27398169. Huang C et al. Genetic studies discover novel coding and non-coding mutations in patients with Wilson's disease in China. J Clin Lab Anal. 2022 Jun;36(6):e24459. PMID: 35470480. Li X et al. Complex ATP7B mutation patterns in Wilson disease and evaluation of a yeast model for functional analysis of variants. Hum Mutat. 2019 May;40(5):552-565. PMID: 30702195. Loudianos G et al. Wilson's disease in two consecutive generations: the detection of three mutated alleles in the ATP7B gene in two Sardinian families. Dig Liver Dis. 2013 Apr;45(4):342-5. PMID: 23219664. Margarit E et al. Mutation analysis of Wilson disease in the Spanish population -- identification of a prevalent substitution and eight novel mutations in the ATP7B gene. Clin Genet. 2005 Jul;68(1):61-8. PMID: 15952988. Mukherjee S et al. Genetic defects in Indian Wilson disease patients and genotype-phenotype correlation. Parkinsonism Relat Disord. 2014 Jan;20(1):75-81. PMID: 24094725.

Revvity Omics, Revvity
Classification: Likely pathogenic for Wilson disease. Last evaluated: 2025-03-21. Review status: criteria provided, single submitter. Criteria: ACMG Guidelines, 2015. Collection method: clinical testing. Allele origin: germline.

Blueprint Genetics
Classification: Pathogenic for ATP7B-related disorders. Last evaluated: 2024-11-13. Review status: criteria provided, single submitter. Criteria: ACMG Guidelines, 2015. Collection method: clinical testing. Allele origin: germline. Affected: yes. Observed: 5 variant alleles.

All of Us Research Program, National Institutes of Health
Classification: Pathogenic for Wilson disease. Last evaluated: 2024-09-25. Review status: criteria provided, single submitter. Criteria: ACMG Guidelines, 2015. Collection method: clinical testing. Allele origin: germline. Inheritance: Autosomal recessive inheritance. Observed: 385 variant alleles, 385 heterozygotes.
Comment: This missense variant replaces glycine with arginine at codon 869 of the ATP7B protein. Computational prediction suggests that this variant may have deleterious impact on protein structure and function (internally defined REVEL score threshold >= 0.7, PMID: 27666373). Although functional studies have not been reported, this variant alters a conserved glycine residue in the A domain of the ATP7B protein that is involved in the ATP hydrolysis (a.a. 786 - 917), a highly conserved region that is considered to be important for ATP7B protein function (PMID: 35245129; ClinVar). This variant has been reported in over twenty individuals affected with autosomal recessive Wilson disease, including up to ten individuals confirmed to be compound heterozygous with a known pathogenic variant in the same gene (PMID: 9311736, 15952988, 17433323, 23219664, 23518715, 23843956, 24094725, 27022412, 27398169, 30702195, 31980526, 33159804, 33258288; Castellano et al., 2023 EASL Congress). This variant has been identified in 206/280980 chromosomes (161/128724 Non-Finnish European chromosomes) in the general population by the Genome Aggregation Database (gnomAD). Based on the available evidence, this variant is classified as Pathogenic. This variant is reported to show reduced penetrance and is associated with a mild phenotype in compound heterozygous individuals with Wilson disease (PMID: 32248359, 33159804; Castellano et al., 2023 EASL Congress).

This study involves interpretation of variants in research participants for the purpose of population health screening. Participant phenotype was not available at the time of variant classification. Additional details can be found in publication PMID: 35346344, PMCID: PMC8962531

Color Diagnostics, LLC DBA Color Health
Classification: Pathogenic for Wilson disease. Last evaluated: 2024-08-21. Review status: criteria provided, single submitter. Criteria: ACMG Guidelines, 2015. Collection method: clinical testing. Allele origin: germline.
Comment: This missense variant replaces glycine with arginine at codon 869 of the ATP7B protein. Computational prediction suggests that this variant may have deleterious impact on protein structure and function. Although functional studies have not been reported, this variant alters a conserved glycine residue in the A domain of the ATP7B protein that is involved in the ATP hydrolysis (a.a. 786 - 917), a highly conserved region that is considered to be important for ATP7B protein function (PMID: 35245129; ClinVar). This variant has been reported in over twenty individuals affected with autosomal recessive Wilson disease, including up to ten individuals confirmed to be compound heterozygous with a known pathogenic variant in the same gene (PMID: 9311736, 15952988, 17433323, 23219664, 23518715, 23843956, 24094725, 27022412, 27398169, 30702195, 31980526, 33159804, 33258288; Castellano et al., 2023 EASL Congress). This variant has been identified in 206/280980 chromosomes (161/128724 Non-Finnish European chromosomes) in the general population by the Genome Aggregation Database (gnomAD). Based on the available evidence, this variant is classified as Pathogenic. This variant is reported to show reduced penetrance and is associated with a mild phenotype in compound heterozygous individuals with Wilson disease (PMID: 32248359, 33159804; Castellano et al., 2023 EASL Congress).

Ambry Genetics
Classification: Pathogenic for Inborn genetic diseases. Last evaluated: 2024-07-02. Review status: criteria provided, single submitter. Criteria: Ambry Variant Classification Scheme 2023. Collection method: clinical testing. Allele origin: germline.
Comment: The c.2605G>A (p.G869R) alteration is located in coding exon 11 of the ATP7B gene. This alteration results from a G to A substitution at nucleotide position 2605, causing the glycine (G) at amino acid position 869 to be replaced by an arginine (R). Based on data from gnomAD, the A allele has an overall frequency of 0.073% (206/280980) total alleles studied. The highest observed frequency was 0.125% (161/128724) of European (non-Finnish) alleles. This variant was in trans with p.D765G in an individual with neurologic symptoms, hepatosplenomegaly, jaundice, Kayser-Fleischer rings, and elevated urinary copper levels (Gu, 2013). In addition, several other individuals with this and a second variant presented with a hepatic phenotype (Margarit, 2005; Hua, 2016), a Parkinsonian-like phenotype (Margarit, 2005), and a mild Wilson disease phenotype (Schushan, 2012). This amino acid position is highly conserved in available vertebrate species. This alteration is predicted to be deleterious by in silico analysis. Based on the available evidence, this alteration is classified as pathogenic.

Baylor Genetics
Classification: Pathogenic for Wilson disease. Last evaluated: 2024-03-30. Review status: criteria provided, single submitter. Criteria: ACMG Guidelines, 2015. Collection method: clinical testing. Allele origin: unknown.

Laboratory of Medical Genetics, National & Kapodistrian University of Athens
Classification: Pathogenic for Wilson disease. Last evaluated: 2024-02-01. Review status: criteria provided, single submitter. Criteria: ACMG Guidelines, 2015. Collection method: curation. Allele origin: germline. Affected: no.

AiLife Diagnostics
Classification: Likely pathogenic. Last evaluated: 2022-03-14. Review status: criteria provided, single submitter. Criteria: ACMG Guidelines, 2015. Collection method: clinical testing. Allele origin: germline. Affected: yes. Observed: 3 variant alleles.

Dasa
Classification: Pathogenic for Wilson disease. Last evaluated: 2022-01-05. Review status: criteria provided, single submitter. Criteria: ACMG Guidelines, 2015. Collection method: clinical testing. Allele origin: germline. Affected: yes. Observed: 2 variant alleles.
Comment: The c.2605G>A;p.(Gly869Arg) missense variant has been observed in affected individual(s) and ClinVar contains an entry for this variant (ClinVar ID: 157939; PMID: 23843956; 15952988; 27398169; 11093740; 30702195) - PS4. The variant is located in a mutational hot spot and/or critical and well-established functional domain (E1-E2_ATPase domain) - PM1. The variant is present at low allele frequencies population databases (rs191312027– gnomAD 0.01032%; ABraOM 0.001708 frequency) - PM2_supporting. The p.(Gly869Arg) was detected in trans with a pathogenic variant (PMID: 23843956; 15952988; 27398169; 11093740; 30702195) - PM3_strong. Multiple lines of computational evidence support a deleterious effect on the gene or gene product - PP3. In summary, the currently available evidence indicates that the variant is pathogenic.

Laboratory for Molecular Medicine, Mass General Brigham Personalized Medicine
Classification: Likely pathogenic for Wilson disease. Last evaluated: 2021-12-20. Review status: criteria provided, single submitter. Criteria: ACMG Guidelines, 2015. Collection method: clinical testing. Allele origin: germline. Inheritance: Autosomal recessive inheritance.
Comment: The p.Gly869Arg variant in ATP7B has been reported 6 individuals with Wilson disease, all of whom were compound heterozygous (Garcia-Villarreal 2000 PMID: 11093740, Margarit 2005 PMID: 15952988, Gu 2013 PMID: 23843956, Hua 2016 PMID: 27398169, Li 2019 PMID: 30702195). This variant has also been reported in ClinVar (Variation ID#3848). This variant has also been identified in 0.125% (161/128724) of European chromosomes by Genome Aggregation Database (gnomAD). This frequency is consistent with the known carrier frequency of Wilson disease. Computational prediction tools and conservation analyses suggest that this variant may impact the protein, though this information is not predictive enough to determine pathogenicity. In summary, although additional studies are required to fully establish its clinical significance, the p.Gly869Arg variant is likely pathogenic for Wilson disease in an autosomal recessive manner. ACMG/AMP Criteria applied: PM3_VStrong; PP3, PP4.